The following is an entry in ClinVar:

NC_000013.11:g.48465329_48465332delinsTTT

Gene: RB1 (RB transcriptional corepressor 1; plus strand). Cytogenetic location: 13q14.2.
Variant type: Indel.
Genome position: GRCh38 VCF-style: chr13-48465329-AAGG-TTT. GRCh37 (hg19) VCF-style: chr13-49039465-AAGG-TTT.
Other names: c.2450_2453delinsTTT, p.Glu817fs (LRG_517t1).
Identifiers: ClinVar variation 527909 (VCV000527909.5), dbSNP rs1555294626, ClinGen allele CA658798153.

ClinVar aggregate classification (germline): Pathogenic (1 of 4 stars; one submission).

Conditions:
Retinoblastoma (RB1). Also called: RETINOBLASTOMA, SOMATIC. Identifiers: Orphanet 790, MedGen C0035335, MeSH D012175, MONDO:0008380, OMIM 180200, HP:0009919. Disease mechanism: loss of function. Inheritance: Both sporadic and heritable forms are tested..

Submission:

Labcorp Genetics (formerly Invitae), Labcorp
Classification: Pathogenic for Retinoblastoma. Last evaluated: 2017-10-11. Review status: criteria provided, single submitter. Criteria: Invitae Variant Classification Sherloc (09022015). Collection method: clinical testing. Allele origin: germline.
Comment: This sequence change creates a premature translational stop signal (p.Glu817Valfs*9) in the RB1 gene. It is expected to result in an absent or disrupted protein product. This variant is not present in population databases (ExAC no frequency). This variant has not been reported in the literature in individuals with RB1-related disease. Loss-of-function variants in RB1 are known to be pathogenic (PMID: 17096365). For these reasons, this variant has been classified as Pathogenic.

Literature cited by the submitters: PubMed 17096365.